The following is an entry in ClinVar:

NM_000088.4(COL1A1):c.4292C>T (p.Thr1431Ile)

Gene: COL1A1 (collagen type I alpha 1 chain; minus strand). Cytogenetic location: 17q21.33.
Variant type: single nucleotide variant.
Coding change: c.4292C>T on transcript NM_000088.4 (MANE Select); coding-DNA position 4292, C replaced by T.
Protein change: p.Thr1431Ile; replaces threonine 1431 with isoleucine.
Molecular consequence: missense variant.
Genome position (GRCh38, 1-based): chr17:50,185,605, G>A on the plus strand (C>T on the coding strand, the complement: COL1A1 is on the minus strand). VCF-style: chr17-50185605-G-A. GRCh37 (hg19) VCF-style: chr17-48262966-G-A.
Other names: c.4292C>T (LRG_1t1); short protein forms T1431I.
Identifiers: ClinVar variation 425629 (VCV000425629.5), dbSNP rs1114167403, ClinGen allele CA400190590.
Genomic context (GRCh38, chr17:50,185,605, plus strand): 5'-TCTGGGGCACCAACGTCCAAGGGGGCCACATCGATGATGGGCAGGCGGGAGGTCTTGGTG[G>A]TTTTGTATTCAATCACTGTCTTGCCCCAGGCTCCGGTGTGACTCTGGGGTGGGGCGGAGA-3'
Protein context (NP_000079.2, residues 1421-1441): AWGKTVIEYK[Thr1431Ile]TKTSRLPIID

ClinVar aggregate classification (germline): Pathogenic. Review status: criteria provided, multiple submitters, no conflicts (2 of 4 stars). 3 submissions from 3 submitters: Pathogenic (2). 1 of the submissions does not count toward it. Last evaluated 2026-08-28.

Conditions:
Osteogenesis imperfecta type I (OI1). Also called: Classic Non-deforming Osteogenesis Imperfecta with Blue Sclerae; Lobstein's Disease; OI, TYPE I; OSTEOGENESIS IMPERFECTA TARDA; OSTEOGENESIS IMPERFECTA WITH BLUE SCLERAE; Osteogenesis imperfecta type 1. Identifiers: Orphanet 216796, Orphanet 666, MedGen C0023931, MONDO:0008146, OMIM 166200. Disease mechanism: loss of function.
Osteogenesis imperfecta with normal sclerae, dominant form (OI4). Also called: OSTEOGENESIS IMPERFECTA, TYPE IV, WITH DENTINOGENESIS IMPERFECTA; Common Variable Osteogenesis Imperfecta with Normal Sclerae; OSTEOGENESIS IMPERFECTA WITH NORMAL SCLERAE; Osteogenesis imperfecta type 4; Osteogenesis Imperfecta Type IV. Identifiers: Orphanet 216820, Orphanet 666, MedGen C0268363, MONDO:0008148, OMIM 166220.

Submissions (3):

Kasturba Medical College, Manipal, Kasturba Medical College, Manipal, Manipal Academy of Higher Education, Manipal, India
Classification: Pathogenic for Osteogenesis imperfecta type I. Last evaluated: 2026-08-28. Review status: criteria provided, single submitter. Criteria: ACMG Guidelines, 2015. Collection method: research. Allele origin: de novo. Inheritance: Autosomal recessive inheritance. Affected: yes. Observed: 1 variant allele, 1 heterozygote.
Comment: The variant c.4292C>T is absent in the gnomAD (v4.1.0) population database and in our in-house data of 4438 exomes. In-silico analysis tools (REVEL and CADD_phred) predict the variant to be damaging to the COL1A1 protein function. This variant has been reported in ClinVar as pathogenic (VCV000425629.4) by a single submitter in association with osteogenesis imperfecta, type I (Fuccio A, et al., 2011, Andersson K, et al., 2020).

Labcorp Genetics (formerly Invitae), Labcorp
Classification: Pathogenic for Osteogenesis imperfecta type I. Last evaluated: 2023-04-06. Review status: criteria provided, single submitter. Criteria: Invitae Variant Classification Sherloc (09022015). Collection method: clinical testing. Allele origin: germline.
Comment: For these reasons, this variant has been classified as Pathogenic. Advanced modeling of protein sequence and biophysical properties (such as structural, functional, and spatial information, amino acid conservation, physicochemical variation, residue mobility, and thermodynamic stability) performed at Invitae indicates that this missense variant is expected to disrupt COL1A1 protein function. This sequence change replaces threonine, which is neutral and polar, with isoleucine, which is neutral and non-polar, at codon 1431 of the COL1A1 protein (p.Thr1431Ile). This variant is not present in population databases (gnomAD no frequency). This missense change has been observed in individual(s) with osteogenesis imperfecta (PMID: 21884818, 26177859). In at least one individual the variant was observed to be de novo. This variant is also known as p.T1432I. ClinVar contains an entry for this variant (Variation ID: 425629).

Department of Medical Sciences, Uppsala University
Classification: Pathogenic for OI type IV. Review status: no assertion criteria provided. Collection method: clinical testing. Allele origin: unknown. Affected: yes. Observed: 1 variant allele. Not counted in ClinVar's aggregate classification.

Literature cited by the submitters: PubMed 21884818 (cited by Kasturba Medical College, Manipal, Kasturba Medical College, Manipal, Manipal Academy of Higher Education, Manipal, India and Labcorp Genetics (formerly Invitae), Labcorp); PubMed 32234057 (cited by Kasturba Medical College, Manipal, Kasturba Medical College, Manipal, Manipal Academy of Higher Education, Manipal, India); PubMed 26177859 (cited by Labcorp Genetics (formerly Invitae), Labcorp); PubMed 25944380 (cited by Department of Medical Sciences, Uppsala University).